The following is an entry in ClinVar:

NM_004380.3(CREBBP):c.3499del (p.Tyr1167fs)

Gene: CREBBP (CREB binding lysine acetyltransferase; minus strand). Cytogenetic location: 16p13.3.
Variant type: Deletion.
Coding change: c.3499del on transcript NM_004380.3 (MANE Select); coding-DNA position 3499, one base deleted (T; older notation c.3499delT).
Protein change: p.Tyr1167fs; shifts the reading frame from tyrosine 1167.
Molecular consequence: frameshift variant.
Genome position (GRCh38, 1-based): chr16:3,757,919, A deleted on the plus strand (T on the coding strand, the reverse complement: CREBBP is on the minus strand). VCF-style (leftmost placement, unchanged base first): chr16-3757918-TA-T. GRCh37 (hg19) VCF-style: chr16-3807919-TA-T.
Other names: c.3385del, p.Tyr1129fs (NM_001079846.1); short protein forms Y1129fs, Y1167fs.
Identifiers: ClinVar variation 3376964 (VCV003376964.1).
Genomic context (GRCh38, chr16:3,757,918, plus strand): 5'-TGCTCAAAGACCTCTGCAAGCTTACTGCAAAACTTATAGACTCGGGATGTCTTGCGATTA[TA>T]GAGCCAGGCATTGTTGAACATGAGCCAGACGTCGTCCACGTACTGCCAGGGCTCTTGGTA-3'

ClinVar aggregate classification (germline): Pathogenic (1 of 4 stars; one submission).

Conditions:
Rubinstein-Taybi syndrome due to CREBBP mutations (RSTS1). Also called: RUBINSTEIN SYNDROME; Rubinstein-Taybi syndrome 1; CREBBP-Related Rubinstein-Taybi Syndrome; BROAD THUMBS AND GREAT TOES, CHARACTERISTIC FACIES, AND IMPAIRED INTELLECTUAL DEVELOPMENT; RUBINSTEIN-TAYBI SYNDROME 1, INCOMPLETE; BROAD THUMB-HALLUX SYNDROME. Identifiers: Orphanet 353277, Orphanet 783, MedGen C4551859, MONDO:0008393, OMIM 180849.

Submission:

Victorian Clinical Genetics Services, Murdoch Childrens Research Institute
Classification: Pathogenic for Rubinstein-Taybi syndrome due to CREBBP mutations. Last evaluated: 2024-10-10. Review status: criteria provided, single submitter. Criteria: ACMG Guidelines, 2015. Collection method: clinical testing. Allele origin: germline. Inheritance: Autosomal dominant inheritance. Affected: yes.
Comment: Based on the classification scheme VCGS_Germline_v1.3.5, this variant is classified as Pathogenic. Following criteria are met: 0102 - Loss of function is a known mechanism of disease in this gene and is associated with Menke-Hennekam syndrome 1 (MIM#618332) and Rubinstein-Taybi syndrome 1 (MIM#180849). (I) 0107 - This gene is associated with autosomal dominant disease. (I) 0201 - Variant is predicted to cause nonsense-mediated decay (NMD) and loss of protein (premature termination codon is located at least 54 nucleotides upstream of the final exon-exon junction). (SP) 0251 - This variant is heterozygous. (I) 0301 - Variant is absent from gnomAD (v2, v3 and v4). (SP) 0701 - Other NMD-predicted variants comparable to the one identified in this case have very strong previous evidence for pathogenicity (DECIPHER). (SP) 0807 - This variant has no previous evidence of pathogenicity. (I) 0905 - No published segregation evidence has been identified for this variant. (I) 1007 - No published functional evidence has been identified for this variant. (SP) Legend: (SP) - Supporting pathogenic, (I) - Information, (SB) - Supporting benign